The following is an entry in ClinVar:

NM_012144.4(DNAI1):c.332T>G (p.Ile111Ser)

Gene: DNAI1 (dynein axonemal intermediate chain 1; plus strand). Cytogenetic location: 9p13.3.
Variant type: single nucleotide variant.
Coding change: c.332T>G on transcript NM_012144.4 (MANE Select); coding-DNA position 332, T replaced by G.
Protein change: p.Ile111Ser; replaces isoleucine 111 with serine.
Molecular consequence: missense variant.
Genome position (GRCh38, 1-based): chr9:34,489,393, T>G. VCF-style: chr9-34489393-T-G. GRCh37 (hg19) VCF-style: chr9-34489391-T-G.
Other names: c.332T>G, p.Ile111Ser (NM_001281428.2); short protein forms I111S.
Identifiers: ClinVar variation 1730305 (VCV001730305.2), dbSNP rs1399327107, ClinGen allele CA373244884.

ClinVar aggregate classification (germline): Uncertain significance (1 of 4 stars; one submission).

Conditions:
Primary ciliary dyskinesia. Also called: Ciliary dyskinesia. Identifiers: Orphanet 244, MedGen C0008780, MONDO:0016575, HP:0012265.

Allele frequency attached by ClinVar (database versions not stated): gnomAD exomes below 0.00001; gnomAD 0.00001; TOPMed 0.00001.
gnomAD v4.1: 2 of 1,613,958 alleles (0.00012%); highest among the groups gnomAD compares: Admixed American, 0.0033%; no homozygotes.

Submission:

Ambry Genetics
Classification: Uncertain significance for Primary ciliary dyskinesia. Last evaluated: 2017-10-31. Review status: criteria provided, single submitter. Criteria: Ambry Variant Classification Scheme 2023. Collection method: clinical testing. Allele origin: germline.
Comment: The p.I111S variant (also known as c.332T>G), located in coding exon 5 of the DNAI1 gene, results from a T to G substitution at nucleotide position 332. The isoleucine at codon 111 is replaced by serine, an amino acid with dissimilar properties. This amino acid position is not well conserved in available vertebrate species. In addition, this alteration is predicted to be tolerated by in silico analysis. Since supporting evidence is limited at this time, the clinical significance of this alteration remains unclear.